The following is an entry in ClinVar:

ClinVar aggregate classification (germline): Uncertain significance. Review status: criteria provided, multiple submitters, no conflicts (2 of 4 stars). 4 submissions from 4 submitters: Uncertain significance (3). 1 of the submissions does not count toward it. Last evaluated 2023-06-23.

Conditions:
Gorlin syndrome. Also called: Basal cell nevus syndrome; Nevoid Basal Cell Carcinoma Syndrome. Identifiers: Orphanet 377, MedGen C0004779, MONDO:0007187.
Breast carcinoma. Also called: Carcinoma of breast. Identifiers: MedGen C0678222, MONDO:0004989, HP:0003002.
PTCH2-related disorder. Also called: PTCH2-related condition; PTCH2-related disease.

Allele frequency attached by ClinVar (database versions not stated): ExAC 0.00001; gnomAD 0.00001 and 0.00002; TOPMed 0.00001; gnomAD exomes 0.00002.
gnomAD v4.1: 12 of 1,614,100 alleles (0.00074%); highest among the groups gnomAD compares: Admixed American, 0.005%; no homozygotes.

Submissions (4):

Women's Health and Genetics/Laboratory Corporation of America, LabCorp
Classification: Uncertain significance. Last evaluated: 2023-06-23. Review status: criteria provided, single submitter. Criteria: LabCorp Variant Classification Summary - May 2015. Collection method: clinical testing. Allele origin: germline.
Comment: Variant summary: PTCH2 c.1081C>T (p.Gln361X) results in a premature termination codon predicted to cause a truncation of the encoded protein or absence of the protein due to nonsense mediated decay, however the molecular mechanism of disease attributed to PTCH2 is currently unknown. There is currently limited evidence associating this gene with disease. The variant allele was found at a frequency of 2e-05 in 251322 control chromosomes. The available data on variant occurrences in the general population are insufficient to allow any conclusion about variant significance. To our knowledge, no occurrence of c.1081C>T in individuals affected with Basal Cell Carcinoma, Susceptibility To, 1 and no experimental evidence demonstrating its impact on protein function have been reported. Two submitters have cited clinical-significance assessments for this variant to ClinVar after 2014. All submitters classified the variant as uncertain significance. Based on the evidence outlined above, the variant was classified as uncertain significance.

Laboratorio de Genetica e Diagnostico Molecular, Hospital Israelita Albert Einstein
Classification: Uncertain significance for Breast carcinoma. Last evaluated: 2022-06-10. Review status: criteria provided, single submitter. Criteria: ACMG Guidelines, 2015. Collection method: clinical testing. Allele origin: germline. Affected: yes. Observed: 1 variant allele.
Comment: ACMG classification criteria: PM2 moderated

Labcorp Genetics (formerly Invitae), Labcorp
Classification: Uncertain significance for Gorlin syndrome. Last evaluated: 2022-03-23. Review status: criteria provided, single submitter. Criteria: Invitae Variant Classification Sherloc (09022015). Collection method: clinical testing. Allele origin: germline.
Comment: This sequence change creates a premature translational stop signal (p.Gln361*) in the PTCH2 gene. It is expected to result in an absent or disrupted protein product. However, the current clinical and genetic evidence is not sufficient to establish whether loss-of-function variants in PTCH2 cause disease. This variant is present in population databases (rs757205202, gnomAD 0.006%). This variant has not been reported in the literature in individuals affected with PTCH2-related conditions. Algorithms developed to predict the effect of sequence changes on RNA splicing suggest that this variant may create or strengthen a splice site. In summary, the available evidence is currently insufficient to determine the role of this variant in disease. Therefore, it has been classified as a Variant of Uncertain Significance.

PreventionGenetics, part of Exact Sciences
Classification: Uncertain significance for PTCH2-related condition. Last evaluated: 2024-04-04. Review status: no assertion criteria provided. Collection method: clinical testing. Allele origin: germline. Not counted in ClinVar's aggregate classification.
Comment: The PTCH2 c.1081C>T variant is predicted to result in premature protein termination (p.Gln361*). To our knowledge, this variant has not been reported in the literature. This variant is reported in 0.0056% of alleles in individuals of Latino descent in gnomAD. Loss of function has not been established as a mechanism of PTCH2-related conditions. At this time, the clinical significance of this variant is uncertain due to the absence of conclusive functional and genetic evidence.

NM_003738.5(PTCH2):c.1081C>T (p.Gln361Ter)

Gene: PTCH2 (patched 2; minus strand). Cytogenetic location: 1p34.1.
Variant type: single nucleotide variant.
Coding change: c.1081C>T on transcript NM_003738.5 (MANE Select); coding-DNA position 1081, C replaced by T.
Protein change: p.Gln361Ter; replaces glutamine 361 with a stop codon.
Molecular consequence: nonsense.
Genome position (GRCh38, 1-based): chr1:44,829,616, G>A on the plus strand (C>T on the coding strand, the complement: PTCH2 is on the minus strand). VCF-style: chr1-44829616-G-A. GRCh37 (hg19) VCF-style: chr1-45295288-G-A.
Other names: c.1081C>T, p.Gln361Ter (NM_001166292.2); c.1081C>T (NM_003738.4); short protein forms Q361*.
Identifiers: ClinVar variation 1436165 (VCV001436165.9), dbSNP rs757205202, ClinGen allele CA823446.
Genomic context (GRCh38, chr1:44,829,616, plus strand): 5'-AGGGGGCAGGAGGAGGGAATGGCCTCAGGGCACCCCCCTTGTCCTTGTCCATACCGACCT[G>A]CACAAAGCGCCGCTGCCAGGCTTGTAGCACTGTGCTGGCCTGCTCCTCACTCCAGCCAAT-3'